The following is an entry in ClinVar:

ClinVar aggregate classification (germline): Uncertain significance. Review status: criteria provided, multiple submitters, no conflicts (2 of 4 stars). 3 submissions from 3 submitters: Uncertain significance (2). 1 of the submissions does not count toward it. Last evaluated 2019-10-10.

Conditions:
Bilateral microtia-deafness-cleft palate syndrome. Identifiers: Orphanet 140963, MedGen C2676772, MONDO:0012854, OMIM 612290.
HOXA2-related disorder. Also called: HOXA2-related condition.

Allele frequency attached by ClinVar (database versions not stated): gnomAD 0.00006; gnomAD exomes 0.00006 and 0.00009; TOPMed 0.00006; ExAC 0.00011; ESP Exome Variant Server 0.00023.
gnomAD v4.1: 102 of 1,614,074 alleles (0.0063%); highest among the groups gnomAD compares: Non-Finnish European, 0.007%; no homozygotes.

Submissions (3):

GeneDx
Classification: Uncertain significance. Last evaluated: 2019-10-10. Review status: criteria provided, single submitter. Criteria: GeneDx Variant Classification Process June 2021. Collection method: clinical testing. Allele origin: germline. Affected: yes.
Comment: In silico analysis, which includes protein predictors and evolutionary conservation, supports that this variant does not alter protein structure/function; Has not been previously published as pathogenic or benign to our knowledge

Illumina Laboratory Services, Illumina
Classification: Uncertain significance for Bilateral microtia-deafness-cleft palate syndrome. Last evaluated: 2018-01-12. Review status: criteria provided, single submitter. Criteria: ICSL Variant Classification Criteria 13 December 2019. Collection method: clinical testing. Allele origin: germline.

PreventionGenetics, part of Exact Sciences
Classification: Likely benign for HOXA2-related condition. Last evaluated: 2024-06-04. Review status: no assertion criteria provided. Collection method: clinical testing. Allele origin: germline. Not counted in ClinVar's aggregate classification.
Comment: This variant is classified as likely benign based on ACMG/AMP sequence variant interpretation guidelines (Richards et al. 2015 PMID: 25741868, with internal and published modifications).

NM_006735.4(HOXA2):c.807C>A (p.Ser269=)

Gene: HOXA2 (homeobox A2; minus strand). Cytogenetic location: 7p15.2.
Variant type: single nucleotide variant.
Coding change: c.807C>A on transcript NM_006735.4 (MANE Select); coding-DNA position 807, C replaced by A.
Protein change: p.Ser269=; no amino-acid change (serine 269 retained).
Molecular consequence: synonymous variant.
Genome position (GRCh38, 1-based): chr7:27,101,050, G>T on the plus strand (C>A on the coding strand, the complement: HOXA2 is on the minus strand). VCF-style: chr7-27101050-G-T. GRCh37 (hg19) VCF-style: chr7-27140669-G-T.
Identifiers: ClinVar variation 359980 (VCV000359980.7), dbSNP rs141931321, ClinGen allele CA4196131.
Genomic context (GRCh38, chr7:27,101,050, plus strand): 5'-GTGCTGAAAATGTTTCAGATTTTTCTCATTGCTGGTTAAAGGCGAGACTGGGAAACTTTG[G>T]GAGTCGCCATTGTGTCCATTGGGAGCCTGCTGCTGAGAGAGGGCATTTTGCTGAAAAGTG-3'
Protein context (NP_006726.1, residues 259-279): QQAPNGHNGD[Ser269=]QSFPVSPLTS